The following is an entry in ClinVar:

ClinVar aggregate classification (germline): Uncertain significance (1 of 4 stars; one submission).

Conditions:
Tuberous sclerosis 2 (TSC2). Identifiers: Orphanet 805, MedGen C1860707, MONDO:0013199, OMIM 613254.

Submission:

Labcorp Genetics (formerly Invitae), Labcorp
Classification: Uncertain significance for Tuberous sclerosis 2. Last evaluated: 2023-10-04. Review status: criteria provided, single submitter. Criteria: Invitae Variant Classification Sherloc (09022015). Collection method: clinical testing. Allele origin: germline.
Comment: This sequence change falls in intron 3 of the TSC2 gene. It does not directly change the encoded amino acid sequence of the TSC2 protein. This variant is not present in population databases (gnomAD no frequency). This variant has not been reported in the literature in individuals affected with TSC2-related conditions. Algorithms developed to predict the effect of sequence changes on RNA splicing suggest that this variant may create or strengthen a splice site. In summary, the available evidence is currently insufficient to determine the role of this variant in disease. Therefore, it has been classified as a Variant of Uncertain Significance.

NM_000548.5(TSC2):c.226-17C>G

Gene: TSC2 (TSC complex subunit 2; plus strand). Cytogenetic location: 16p13.3.
Variant type: single nucleotide variant.
Coding change: c.226-17C>G on transcript NM_000548.5 (MANE Select); 17 bases into the intron before coding-DNA position 226, C replaced by G.
Molecular consequence: intron variant.
Genome position (GRCh38, 1-based): chr16:2,053,325, C>G. VCF-style: chr16-2053325-C-G. GRCh37 (hg19) VCF-style: chr16-2103326-C-G.
Other names: c.226-971C>G (NM_001406678.1, NM_001406670.1, NM_001318827.2); c.-2+2839C>G (NM_001406682.1, NM_001406684.1, NM_001406685.1 and 3 more transcripts); c.79-17C>G (NM_001406677.1, NM_001406675.1, NM_001406676.1 and 2 more transcripts); c.259-17C>G (NM_001318832.2); c.-1512-17C>G (NM_001406693.1); c.226-17C>G (NM_001406667.1, NM_001406668.1, NM_021055.3 and 10 more transcripts); c.-591-17C>G (NM_001406680.1, NM_001406683.1, NM_001406687.1); c.-1206-17C>G (NM_001406689.1, NM_001406690.1, NM_001406692.1 and 2 more transcripts); and 4 more.
Identifiers: ClinVar variation 2765027 (VCV002765027.3), dbSNP rs1356531469, ClinGen allele CA2697549554.